The following is an entry in ClinVar:

ClinVar aggregate classification (germline): Pathogenic (1 of 4 stars; one submission).

Conditions:
Gastrointestinal stromal tumor. Also called: Gastrointestinal stroma tumor; Gastrointestinal stromal tumor, somatic. Identifiers: Orphanet 44890, MedGen C0238198, MeSH D046152, MONDO:0011719, OMIM 606764, HP:0100723.

Submission:

Labcorp Genetics (formerly Invitae), Labcorp
Classification: Pathogenic for Gastrointestinal stromal tumor. Last evaluated: 2025-03-24. Review status: criteria provided, single submitter. Criteria: Invitae Variant Classification Sherloc (09022015). Collection method: clinical testing. Allele origin: germline.
Comment: This sequence change creates a premature translational stop signal (p.Leu769Phefs*2) in the KIT gene. It is expected to result in an absent or disrupted protein product. Loss-of-function variants in KIT are known to be pathogenic (PMID: 15194144). This variant is not present in population databases (gnomAD no frequency). This variant has not been reported in the literature in individuals affected with KIT-related conditions. For these reasons, this variant has been classified as Pathogenic.

Literature cited by the submitters: PubMed 15194144.

NM_000222.3(KIT):c.2307del (p.Leu769fs)

Gene: KIT (KIT proto-oncogene, receptor tyrosine kinase; plus strand). Cytogenetic location: 4q12.
Variant type: Deletion.
Coding change: c.2307del on transcript NM_000222.3 (MANE Select); coding-DNA position 2307, one base deleted (G; older notation c.2307delG).
Protein change: p.Leu769fs; shifts the reading frame from leucine 769.
Molecular consequence: frameshift variant.
Genome position (GRCh38, 1-based): chr4:54,731,944, G deleted. VCF-style (leftmost placement, unchanged base first): chr4-54731943-TG-T. GRCh37 (hg19) VCF-style: chr4-55598109-TG-T.
Other names: c.2295del, p.Leu765fs (NM_001093772.2, NM_001385292.1); c.2310del, p.Leu770fs (NM_001385284.1); c.2304del, p.Leu768fs (NM_001385285.1); c.2292del, p.Leu764fs (NM_001385286.1); c.2298del, p.Leu766fs (NM_001385288.1); c.2307del, p.Leu769fs (NM_001385290.1); short protein forms L769fs, L765fs, L768fs, L764fs, L770fs, L766fs.
Identifiers: ClinVar variation 4775687 (VCV004775687.1).